The following is an entry in ClinVar:

NM_020458.4(TTC7A):c.752A>T (p.Asn251Ile)

Gene: TTC7A (tetratricopeptide repeat domain 7A; plus strand). Cytogenetic location: 2p21.
Variant type: single nucleotide variant.
Coding change: c.752A>T on transcript NM_020458.4 (MANE Select); coding-DNA position 752, A replaced by T.
Protein change: p.Asn251Ile; replaces asparagine 251 with isoleucine.
Molecular consequence: missense variant. On other transcripts: 5 prime UTR variant (1).
Genome position (GRCh38, 1-based): chr2:46,978,895, A>T. VCF-style: chr2-46978895-A-T. GRCh37 (hg19) VCF-style: chr2-47206034-A-T.
Other names: c.752A>T, p.Asn251Ile (NM_001288951.2); c.650A>T, p.Asn217Ile (NM_001288953.2); c.-153A>T (NM_001288955.2); c.752A>T (NM_020458.2); short protein forms N217I, N251I.
Identifiers: ClinVar variation 1006529 (VCV001006529.9), dbSNP rs371810821, ClinGen allele CA1647330.

ClinVar aggregate classification (germline): Uncertain significance. Review status: criteria provided, multiple submitters, no conflicts (2 of 4 stars). 2 submissions from 2 submitters: Uncertain significance (2). Last evaluated 2024-02-17.

Conditions:
Inborn genetic diseases. Identifiers: MedGen C0950123, MeSH D030342.
Multiple gastrointestinal atresias. Also called: Multiple intestinal atresia; FAMILIAL INTESTINAL POLYATRESIA SYNDROME. Identifiers: Orphanet 2300, MedGen C0220744, MONDO:0009465.

Allele frequency attached by ClinVar (database versions not stated): gnomAD exomes 0.00001 and 0.00006; TOPMed 0.00003; gnomAD 0.00004 and 0.00005; ExAC 0.00007.
gnomAD v4.1: 19 of 1,613,496 alleles (0.0012%); highest among the groups gnomAD compares: East Asian, 0.031%; no homozygotes.

Submissions (2):

Labcorp Genetics (formerly Invitae), Labcorp
Classification: Uncertain significance for Multiple gastrointestinal atresias. Last evaluated: 2024-02-17. Review status: criteria provided, single submitter. Criteria: Invitae Variant Classification Sherloc (09022015). Collection method: clinical testing. Allele origin: germline.
Comment: This sequence change replaces asparagine, which is neutral and polar, with isoleucine, which is neutral and non-polar, at codon 251 of the TTC7A protein (p.Asn251Ile). This variant is present in population databases (rs371810821, gnomAD 0.1%). This variant has not been reported in the literature in individuals affected with TTC7A-related conditions. ClinVar contains an entry for this variant (Variation ID: 1006529). Advanced modeling of protein sequence and biophysical properties (such as structural, functional, and spatial information, amino acid conservation, physicochemical variation, residue mobility, and thermodynamic stability) performed at Invitae indicates that this missense variant is not expected to disrupt TTC7A protein function with a negative predictive value of 80%. In summary, the available evidence is currently insufficient to determine the role of this variant in disease. Therefore, it has been classified as a Variant of Uncertain Significance.

Ambry Genetics
Classification: Uncertain significance for Inborn genetic diseases. Last evaluated: 2021-10-29. Review status: criteria provided, single submitter. Criteria: Ambry Variant Classification Scheme 2023. Collection method: clinical testing. Allele origin: germline.